The following is an entry in ClinVar:

ClinVar aggregate classification (germline): Uncertain significance (1 of 4 stars; one submission).

Conditions:
Autosomal recessive nonsyndromic hearing loss 66 (DFNB66). Also called: Deafness, autosomal recessive 66. Identifiers: Orphanet 90636, MedGen C1857750, MONDO:0012442, OMIM 610212.
Isolated neonatal sclerosing cholangitis (NSC). Also called: Sclerosing cholangitis, neonatal. Identifiers: Orphanet 480556, MedGen C4479344, MONDO:0018816, OMIM 617394.

Allele frequency attached by ClinVar (database versions not stated): TOPMed below 0.00001.

Submission:

Labcorp Genetics (formerly Invitae), Labcorp
Classification: Uncertain significance for Autosomal recessive nonsyndromic hearing loss 66; Isolated neonatal sclerosing cholangitis. Last evaluated: 2024-04-08. Review status: criteria provided, single submitter. Criteria: Invitae Variant Classification Sherloc (09022015). Collection method: clinical testing. Allele origin: germline.
Comment: This sequence change replaces arginine, which is basic and polar, with cysteine, which is neutral and slightly polar, at codon 403 of the DCDC2 protein (p.Arg403Cys). This variant is present in population databases (no rsID available, gnomAD 0.003%). This variant has not been reported in the literature in individuals affected with DCDC2-related conditions. ClinVar contains an entry for this variant (Variation ID: 2190530). An algorithm developed to predict the effect of missense changes on protein structure and function (PolyPhen-2) suggests that this variant is likely to be disruptive. In summary, the available evidence is currently insufficient to determine the role of this variant in disease. Therefore, it has been classified as a Variant of Uncertain Significance.

NM_016356.5(DCDC2):c.1207C>T (p.Arg403Cys)

Gene: DCDC2 (doublecortin domain containing 2; minus strand). Cytogenetic location: 6p22.3.
Variant type: single nucleotide variant.
Coding change: c.1207C>T on transcript NM_016356.5 (MANE Select); coding-DNA position 1207, C replaced by T.
Protein change: p.Arg403Cys; replaces arginine 403 with cysteine.
Molecular consequence: missense variant.
Genome position (GRCh38, 1-based): chr6:24,178,449, G>A on the plus strand (C>T on the coding strand, the complement: DCDC2 is on the minus strand). VCF-style: chr6-24178449-G-A. GRCh37 (hg19) VCF-style: chr6-24178677-G-A.
Other names: c.1207C>T, p.Arg403Cys (NM_001195610.2); short protein forms R403C.
Identifiers: ClinVar variation 2190530 (VCV002190530.4), dbSNP rs1244351893, ClinGen allele CA363280047.